The following is an entry in ClinVar:

NM_003632.3(CNTNAP1):c.400C>T (p.Arg134Cys)

Gene: CNTNAP1 (contactin associated protein 1; plus strand). Cytogenetic location: 17q21.2.
Variant type: single nucleotide variant.
Coding change: c.400C>T on transcript NM_003632.3 (MANE Select); coding-DNA position 400, C replaced by T.
Protein change: p.Arg134Cys; replaces arginine 134 with cysteine.
Molecular consequence: missense variant.
Genome position (GRCh38, 1-based): chr17:42,685,027, C>T. VCF-style: chr17-42685027-C-T. GRCh37 (hg19) VCF-style: chr17-40837045-C-T.
Other names: short protein forms R134C.
Identifiers: ClinVar variation 4686421 (VCV004686421.1).

ClinVar aggregate classification (germline): Uncertain significance (1 of 4 stars; one submission).

Submission:

GeneDx
Classification: Uncertain significance. Last evaluated: 2025-07-15. Review status: criteria provided, single submitter. Criteria: GeneDx Variant Classification Process June 2021. Collection method: clinical testing. Allele origin: germline. Affected: yes.
Comment: Not observed at significant frequency in large population cohorts (gnomAD); In silico analysis supports that this missense variant has a deleterious effect on protein structure/function; Has not been previously published as pathogenic or benign to our knowledge